The following is an entry in ClinVar:

ClinVar aggregate classification (germline): Uncertain significance (1 of 4 stars; one submission).

Conditions:
Neurofibromatosis, type 1 (NF1). Also called: Neurofibromatosis, type I; VON RECKLINGHAUSEN DISEASE; Peripheral type neurofibromatosis; NEUROFIBROMATOSIS, TYPE I, SOMATIC. Identifiers: Orphanet 636, MedGen C0027831, MONDO:0018975, OMIM 162200. Disease mechanism: loss of function.

Submission:

Labcorp Genetics (formerly Invitae), Labcorp
Classification: Uncertain significance for Neurofibromatosis, type 1. Last evaluated: 2019-12-27. Review status: criteria provided, single submitter. Criteria: Invitae Variant Classification Sherloc (09022015). Collection method: clinical testing. Allele origin: germline.
Comment: This sequence change replaces phenylalanine with leucine at codon 150 of the NF1 protein (p.Phe150Leu). The phenylalanine residue is highly conserved and there is a small physicochemical difference between phenylalanine and leucine. This variant is not present in population databases (ExAC no frequency). This variant has not been reported in the literature in individuals with NF1-related conditions. Algorithms developed to predict the effect of missense changes on protein structure and function are either unavailable or do not agree on the potential impact of this missense change (SIFT: "Deleterious"; PolyPhen-2: "Probably Damaging"; Align-GVGD: "Class C0"). In summary, the available evidence is currently insufficient to determine the role of this variant in disease. Therefore, it has been classified as a Variant of Uncertain Significance.

NM_001042492.3(NF1):c.450C>A (p.Phe150Leu)

Gene: NF1 (neurofibromin 1; plus strand). Cytogenetic location: 17q11.2.
Variant type: single nucleotide variant.
Coding change: c.450C>A on transcript NM_001042492.3 (MANE Select); coding-DNA position 450, C replaced by A.
Protein change: p.Phe150Leu; replaces phenylalanine 150 with leucine.
Molecular consequence: missense variant.
Genome position (GRCh38, 1-based): chr17:31,163,347, C>A. VCF-style: chr17-31163347-C-A. GRCh37 (hg19) VCF-style: chr17-29490365-C-A.
Other names: c.450C>A, p.Phe150Leu (NM_000267.4, NM_001128147.3); short protein forms F150L.
Identifiers: ClinVar variation 858257 (VCV000858257.8), dbSNP rs202142624, ClinGen allele CA398981978.